The following is an entry in ClinVar:

ClinVar aggregate classification (germline): Uncertain significance. Review status: criteria provided, multiple submitters, no conflicts (2 of 4 stars). 2 submissions from 2 submitters: Uncertain significance (2). Last evaluated 2024-11-27.

Conditions:
Inborn genetic diseases. Identifiers: MedGen C0950123, MeSH D030342.

Allele frequency attached by ClinVar (database versions not stated): ExAC 0.00001; gnomAD 0.00002; gnomAD exomes 0.00002; TOPMed 0.00004.

Submissions (2):

Labcorp Genetics (formerly Invitae), Labcorp
Classification: Uncertain significance. Last evaluated: 2024-11-27. Review status: criteria provided, single submitter. Criteria: Invitae Variant Classification Sherloc (09022015). Collection method: clinical testing. Allele origin: germline.
Comment: This sequence change replaces isoleucine, which is neutral and non-polar, with valine, which is neutral and non-polar, at codon 99 of the PNPLA8 protein (p.Ile99Val). This variant is present in population databases (rs778391367, gnomAD 0.004%). This variant has not been reported in the literature in individuals affected with PNPLA8-related conditions. ClinVar contains an entry for this variant (Variation ID: 2413942). An algorithm developed to predict the effect of missense changes on protein structure and function (PolyPhen-2) suggests that this variant¬†is likely to be tolerated. In summary, the available evidence is currently insufficient to determine the role of this variant in disease. Therefore, it has been classified as a Variant of Uncertain Significance.

Ambry Genetics
Classification: Uncertain significance for Inborn genetic diseases. Last evaluated: 2024-09-08. Review status: criteria provided, single submitter. Criteria: Ambry Variant Classification Scheme 2023. Collection method: clinical testing. Allele origin: germline.

NM_001256007.3(PNPLA8):c.295A>G (p.Ile99Val)

Gene: PNPLA8 (patatin like domain 8, phospholipase A2; minus strand). Cytogenetic location: 7q31.1.
Variant type: single nucleotide variant.
Coding change: c.295A>G on transcript NM_001256007.3 (MANE Select); coding-DNA position 295, A replaced by G.
Protein change: p.Ile99Val; replaces isoleucine 99 with valine.
Molecular consequence: missense variant. On other transcripts: 5 prime UTR variant (2).
Genome position (GRCh38, 1-based): chr7:108,515,197, T>C on the plus strand (A>G on the coding strand, the complement: PNPLA8 is on the minus strand). VCF-style: chr7-108515197-T-C. GRCh37 (hg19) VCF-style: chr7-108155641-T-C.
Other names: c.295A>G, p.Ile99Val (NM_001256008.3, NM_001256009.3, NM_015723.5); c.-6A>G (NM_001256010.3, NM_001256011.3); c.295A>G (NM_015723.2); short protein forms I99V.
Identifiers: ClinVar variation 2413942 (VCV002413942.6), dbSNP rs778391367, ClinGen allele CA4439851.
Genomic context (GRCh38, chr7:108,515,197, plus strand): 5'-GATTGCCAAAAACAGCCTTTGAAACAGAGTTCAAAGTACTTTTAATACGGGACATACAAA[T>C]GTTCACTTTTGTAAGTCCCTTGGGAGCAGAAGTGCTAAGTTTCAAAATCCCAATATGTAA-3'
Protein context (NP_001242936.1, residues 89-109): SAPKGLTKVN[Ile99Val]CMSRIKSTLN